The following is an entry in ClinVar:

NM_002890.3(RASA1):c.701C>G (p.Ala234Gly)

Genes: CCNH (cyclin H; minus strand), RASA1 (RAS p21 protein activator 1; plus strand). Cytogenetic location: 5q14.3.
Variant type: single nucleotide variant.
Coding change: c.701C>G on transcript NM_002890.3 (MANE Select); coding-DNA position 701, C replaced by G.
Protein change: p.Ala234Gly; replaces alanine 234 with glycine.
Molecular consequence: missense variant. On other transcripts: intron variant (1).
Genome position (GRCh38, 1-based): chr5:87,332,515, C>G. VCF-style: chr5-87332515-C-G. GRCh37 (hg19) VCF-style: chr5-86628332-C-G.
Other names: c.170C>G, p.Ala57Gly (NM_022650.3); c.934-19720G>C (NM_001364075.2); short protein forms A57G, A234G.
Identifiers: ClinVar variation 3729377 (VCV003729377.2).

ClinVar aggregate classification (germline): Uncertain significance (1 of 4 stars; one submission).

Conditions:
Capillary malformation-arteriovenous malformation syndrome. Also called: Capillary malformation-arteriovenous malformation. Identifiers: Orphanet 137667, MedGen C1842180, MONDO:0012016.

Submission:

Labcorp Genetics (formerly Invitae), Labcorp
Classification: Uncertain significance for Capillary malformation-arteriovenous malformation syndrome. Last evaluated: 2025-01-22. Review status: criteria provided, single submitter. Criteria: Invitae Variant Classification Sherloc (09022015). Collection method: clinical testing. Allele origin: germline.
Comment: This sequence change replaces alanine, which is neutral and non-polar, with glycine, which is neutral and non-polar, at codon 234 of the RASA1 protein (p.Ala234Gly). This variant is not present in population databases (gnomAD no frequency). This variant has not been reported in the literature in individuals affected with RASA1-related conditions. An algorithm developed to predict the effect of missense changes on protein structure and function (PolyPhen-2) suggests that this variant is likely to be tolerated. In summary, the available evidence is currently insufficient to determine the role of this variant in disease. Therefore, it has been classified as a Variant of Uncertain Significance.